The following is an entry in ClinVar:

ClinVar aggregate classification (germline): Uncertain significance. Review status: criteria provided, multiple submitters, no conflicts (2 of 4 stars). 2 submissions from 2 submitters: Uncertain significance (2). Last evaluated 2024-10-17.

Conditions:
Inborn genetic diseases. Identifiers: MedGen C0950123, MeSH D030342.

gnomAD v4.1: 4 of 1,614,000 alleles (0.00025%); highest among the groups gnomAD compares: Admixed American, 0.0033%; no homozygotes.

Submissions (2):

Ambry Genetics
Classification: Uncertain significance for Inborn genetic diseases. Last evaluated: 2024-10-17. Review status: criteria provided, single submitter. Criteria: Ambry Variant Classification Scheme 2023. Collection method: clinical testing. Allele origin: germline.

Labcorp Genetics (formerly Invitae), Labcorp
Classification: Uncertain significance. Last evaluated: 2024-10-12. Review status: criteria provided, single submitter. Criteria: Invitae Variant Classification Sherloc (09022015). Collection method: clinical testing. Allele origin: germline.
Comment: This sequence change replaces valine, which is neutral and non-polar, with methionine, which is neutral and non-polar, at codon 1064 of the COL11A2 protein (p.Val1064Met). This variant is not present in population databases (gnomAD no frequency). This variant has not been reported in the literature in individuals affected with COL11A2-related conditions. Invitae Evidence Modeling of protein sequence and biophysical properties (such as structural, functional, and spatial information, amino acid conservation, physicochemical variation, residue mobility, and thermodynamic stability) indicates that this missense variant is not expected to disrupt COL11A2 protein function with a negative predictive value of 95%. In summary, the available evidence is currently insufficient to determine the role of this variant in disease. Therefore, it has been classified as a Variant of Uncertain Significance.

NM_080680.3(COL11A2):c.3190G>A (p.Val1064Met)

Gene: COL11A2 (collagen type XI alpha 2 chain; minus strand). Cytogenetic location: 6p21.32.
Variant type: single nucleotide variant.
Coding change: c.3190G>A on transcript NM_080680.3 (MANE Select); coding-DNA position 3190, G replaced by A.
Protein change: p.Val1064Met; replaces valine 1064 with methionine.
Molecular consequence: missense variant.
Genome position (GRCh38, 1-based): chr6:33,171,535, C>T on the plus strand (G>A on the coding strand, the complement: COL11A2 is on the minus strand). VCF-style: chr6-33171535-C-T. GRCh37 (hg19) VCF-style: chr6-33139312-C-T.
Other names: c.3010G>A, p.Val1004Met (NM_001424108.1); c.2344G>A, p.Val782Met (NM_001424109.1); c.2164G>A, p.Val722Met (NM_001424110.1, NM_001424111.1); c.1144G>A, p.Val382Met (NM_001424112.1); c.2869G>A, p.Val957Met (NM_080679.3); c.2932G>A, p.Val978Met (NM_080681.3); short protein forms V978M, V1004M, V1064M, V382M, V782M, V722M, V957M.
Identifiers: ClinVar variation 3495043 (VCV003495043.3).
Genomic context (GRCh38, chr6:33,171,535, plus strand): 5'-CATCCTCTCCAGCCACACCTGGAGGCCCAGCAGGACCAGGAAGCCCCACAGGACCCTGCA[C>T]TCCATCTCGGCCAGTCGGGCCAATGGGGCCCTTCTCACCCTGTGGGACAGGAGGAAGGAG-3'
Protein context (NP_542411.2, residues 1054-1074): GPIGPTGRDG[Val1064Met]QGPVGLPGPA